The following is an entry in ClinVar:

ClinVar aggregate classification (germline): Uncertain significance (1 of 4 stars; one submission).

gnomAD v4.1: 1 of 1,211,599 alleles (0.000083%); highest among the groups gnomAD compares: Non-Finnish European, 0.00011%; no homozygotes.

Submission:

GeneDx
Classification: Uncertain significance. Last evaluated: 2024-03-05. Review status: criteria provided, single submitter. Criteria: GeneDx Variant Classification Process June 2021. Collection method: clinical testing. Allele origin: germline. Affected: yes.
Comment: Not observed at significant frequency in large population cohorts (gnomAD); In silico analysis supports that this missense variant does not alter protein structure/function; Has not been previously published as pathogenic or benign to our knowledge

NM_001039591.3(USP9X):c.7591A>G (p.Arg2531Gly)

Gene: USP9X (ubiquitin specific peptidase 9 X-linked; plus strand). Cytogenetic location: Xp11.4.
Variant type: single nucleotide variant.
Coding change: c.7591A>G on transcript NM_001039591.3 (MANE Select); coding-DNA position 7591, A replaced by G.
Protein change: p.Arg2531Gly; replaces arginine 2531 with glycine.
Molecular consequence: missense variant.
Genome position (GRCh38, 1-based): chrX:41,232,450, A>G. VCF-style: chrX-41232450-A-G. GRCh37 (hg19) VCF-style: chrX-41091703-A-G.
Other names: c.7639A>G, p.Arg2547Gly (NM_001039590.3); c.7654A>G, p.Arg2552Gly (NM_001410748.1); c.7606A>G, p.Arg2536Gly (NM_001410749.1); short protein forms R2531G, R2536G, R2547G, R2552G.
Identifiers: ClinVar variation 3373521 (VCV003373521.1).